The following is an entry in ClinVar:

ClinVar aggregate classification (germline): Likely benign (1 of 4 stars; one submission).

Conditions:
CEP290-related disorder. Also called: CEP290-related condition; CEP290-related disorders. Identifiers: MedGen CN239314.

gnomAD v4.1: 1 of 1,530,622 alleles (0.000065%); highest among the groups gnomAD compares: African/African-American, 0.0014%; no homozygotes.

Submission:

PreventionGenetics, part of Exact Sciences
Classification: Likely benign for CEP290-related condition. Last evaluated: 2024-10-14. Review status: criteria provided, single submitter. Criteria: ACMG Guidelines, 2015. Collection method: clinical testing. Allele origin: germline.
Comment: This variant is classified as likely benign based on ACMG/AMP sequence variant interpretation guidelines (Richards et al. 2015 PMID: 25741868, with internal and published modifications).

NM_025114.4(CEP290):c.1910-7A>T

Gene: CEP290 (centrosomal protein 290; minus strand). Cytogenetic location: 12q21.32.
Variant type: single nucleotide variant.
Coding change: c.1910-7A>T on transcript NM_025114.4 (MANE Select); 7 bases into the intron before coding-DNA position 1910, A replaced by T.
Molecular consequence: intron variant.
Genome position (GRCh38, 1-based): chr12:88,114,569, T>A on the plus strand (A>T on the coding strand, the complement: CEP290 is on the minus strand). VCF-style: chr12-88114569-T-A. GRCh37 (hg19) VCF-style: chr12-88508346-T-A.
Identifiers: ClinVar variation 5001982 (VCV005001982.1).